The following is an entry in ClinVar:

NM_017777.4(MKS1):c.658A>T (p.Lys220Ter)

Gene: MKS1 (MKS transition zone complex subunit 1; minus strand). Cytogenetic location: 17q22.
Variant type: single nucleotide variant.
Coding change: c.658A>T on transcript NM_017777.4 (MANE Select); coding-DNA position 658, A replaced by T.
Protein change: p.Lys220Ter; replaces lysine 220 with a stop codon.
Molecular consequence: nonsense.
Genome position (GRCh38, 1-based): chr17:58,213,856, T>A on the plus strand (A>T on the coding strand, the complement: MKS1 is on the minus strand). VCF-style: chr17-58213856-T-A. GRCh37 (hg19) VCF-style: chr17-56291217-T-A.
Other names: c.49A>T, p.Lys17Ter (NM_001321268.2); c.658A>T, p.Lys220Ter (NM_001321269.2, NM_001330397.2); short protein forms K17*, K220*.
Identifiers: ClinVar variation 1379652 (VCV001379652.9), dbSNP rs2143800757, ClinGen allele CA400326772.

ClinVar aggregate classification (germline): Pathogenic/Likely pathogenic. Review status: criteria provided, multiple submitters, no conflicts (2 of 4 stars). 2 submissions from 2 submitters: Pathogenic (1); Likely pathogenic (1). Last evaluated 2025-12-27.

Conditions:
Joubert syndrome. Also called: Familial aplasia of the vermis; JOUBERT-BOLTSHAUSER SYNDROME. Identifiers: Orphanet 475, MedGen C5979921, MONDO:0018772.
Meckel-Gruber syndrome. Also called: Dysencephalia splachnocystica; DYSENCEPHALIA SPLANCHNOCYSTICA; GRUBER SYNDROME. Identifiers: Orphanet 564, MedGen C0265215, MONDO:0018921.
Ciliopathy. Also called: Ciliopathies. Identifiers: Orphanet 363250, MedGen C4277690, MONDO:0005308, MeSH D000072661.

Submissions (2):

Labcorp Genetics (formerly Invitae), Labcorp
Classification: Pathogenic for Joubert syndrome; Meckel-Gruber syndrome. Last evaluated: 2025-12-27. Review status: criteria provided, single submitter. Criteria: Invitae Variant Classification Sherloc (09022015). Collection method: clinical testing. Allele origin: germline.
Comment: This sequence change creates a premature translational stop signal (p.Lys220*) in the MKS1 gene. It is expected to result in an absent or disrupted protein product. Loss-of-function variants in MKS1 are known to be pathogenic (PMID: 19466712, 24886560, 26490104). This variant is not present in population databases (gnomAD no frequency). This variant has not been reported in the literature in individuals affected with MKS1-related conditions. ClinVar contains an entry for this variant (Variation ID: 1379652). For these reasons, this variant has been classified as Pathogenic.

Myriad Genetics, Inc.
Classification: Likely pathogenic for Ciliopathy. Last evaluated: 2021-12-08. Review status: criteria provided, single submitter. Criteria: Myriad Autosomal Dominant, Autosomal Recessive and X-Linked Classification Criteria (2023). Collection method: clinical testing. Allele origin: unknown.
Comment: NM_017777.3(MKS1):c.658A>T(K220*) is expected to be pathogenic in the context of MKS1-related disorders. This variant is predicted to lead to an abnormal or absent protein product due to the creation of a premature termination codon in MKS1, a gene where loss-of-function variants are known to be pathogenic. Please note: this variant was assessed in the context of healthy population screening.

Literature cited by the submitters: PubMed 19466712 (cited by Labcorp Genetics (formerly Invitae), Labcorp); PubMed 24886560 (cited by Labcorp Genetics (formerly Invitae), Labcorp); PubMed 26490104 (cited by Labcorp Genetics (formerly Invitae), Labcorp).